The following is an entry in ClinVar:

ClinVar aggregate classification (germline): Uncertain significance (1 of 4 stars; one submission).

Conditions:
Brugada syndrome. Also called: Sudden unexpected nocturnal death syndrome; Sudden unexplained nocturnal death syndrome; Sudden Unexplained Death Syndrome; Sudden Unexplained Nocturnal Death Syndrome (SUNDS). Identifiers: Orphanet 130, MedGen C1142166, MONDO:0015263.

Submission:

Labcorp Genetics (formerly Invitae), Labcorp
Classification: Uncertain significance for Brugada syndrome. Last evaluated: 2024-04-04. Review status: criteria provided, single submitter. Criteria: Invitae Variant Classification Sherloc (09022015). Collection method: clinical testing. Allele origin: germline.
Comment: This sequence change results in a frameshift in the KCNJ8 gene (p.Pro415Argfs*14). While this is not anticipated to result in nonsense mediated decay, it is expected to disrupt the last 10 amino acid(s) of the KCNJ8 protein and extend the protein by 3 additional amino acid residues. This variant is not present in population databases (gnomAD no frequency). This variant has not been reported in the literature in individuals affected with KCNJ8-related conditions. In summary, the available evidence is currently insufficient to determine the role of this variant in disease. Therefore, it has been classified as a Variant of Uncertain Significance.

NM_004982.4(KCNJ8):c.1243_1244del (p.Pro415fs)

Genes: KCNJ8 (potassium inwardly rectifying channel subfamily J member 8; minus strand), KCNJ8-AS1 (KCNJ8 antisense RNA 1; plus strand). Cytogenetic location: 12p12.1.
Variant type: Deletion.
Coding change: c.1243_1244del on transcript NM_004982.4 (MANE Select); coding-DNA positions 1243 to 1244, 2 bases deleted (CC; older notation c.1243_1244delCC).
Protein change: p.Pro415fs; shifts the reading frame from proline 415.
Molecular consequence: frameshift variant.
Genome position (GRCh38, 1-based): chr12:21,765,754-21,765,755, GG deleted on the plus strand (CC on the coding strand, the reverse complement: KCNJ8 is on the minus strand). VCF-style (leftmost placement, unchanged base first): chr12-21765753-TGG-T. GRCh37 (hg19) VCF-style: chr12-21918687-TGG-T.
Other names: short protein forms P415fs.
Identifiers: ClinVar variation 3665716 (VCV003665716.2).
Genomic context (GRCh38, chr12:21,765,753, plus strand): 5'-ATAAAAGACTGTCTTGGGGTTATCTTGCTGTCATGATTCCGATGTGTTTTGATTTCCTTC[TGG>T]AGTCATAAATTGCACCTTTGGTACCATGAGGGAAGAATTGTTCCTTCGGATAGAATTGTT-3'